The following is an entry in ClinVar:

NM_005228.5(EGFR):c.2626-1G>C

Gene: EGFR (epidermal growth factor receptor; plus strand). Cytogenetic location: 7p11.2.
Variant type: single nucleotide variant.
Coding change: c.2626-1G>C on transcript NM_005228.5 (MANE Select); the canonical splice acceptor site of the intron before coding-DNA position 2626, G replaced by C.
Molecular consequence: splice acceptor variant.
Genome position (GRCh38, 1-based): chr7:55,192,765, G>C. VCF-style: chr7-55192765-G-C. GRCh37 (hg19) VCF-style: chr7-55260458-G-C.
Other names: c.2491-1G>C (NM_001346899.2, NM_001346897.2); c.1825-1G>C (NM_001346941.2); c.2626-1G>C (NM_001346898.2); c.2467-1G>C (NM_001346900.2).
Identifiers: ClinVar variation 4881248 (VCV004881248.2).

ClinVar aggregate classification (germline): Likely pathogenic (1 of 4 stars; one submission).

Submission:

Dasa
Classification: Likely pathogenic. Last evaluated: 2026-01-09. Review status: criteria provided, single submitter. Criteria: DASA Assertion Criteria. Collection method: clinical testing. Allele origin: germline.
Comment: NM_005228.5(EGFR):c.2626-1G>C affects a canonical splice site and is predicted to disrupt normal RNA splicing. Loss of function is an established disease mechanism for EGFR-associated disorders. Also, this variant is rare in population databases. Based on the currently available evidence, this variant is classified as likely pathogenic.